The following is an entry in ClinVar:

ClinVar aggregate classification (germline): Uncertain significance (1 of 4 stars; one submission).

Conditions:
Dilated cardiomyopathy 1AA (CMD1AA). Also called: CARDIOMYOPATHY, DILATED, 1AA, WITH OR WITHOUT LEFT VENTRICULAR NONCOMPACTION; CARDIOMYOPATHY, FAMILIAL HYPERTROPHIC, 23, WITH OR WITHOUT LEFT VENTRICULAR NONCOMPACTION; Cardiomyopathy, dilated, 1AA, with or without LVNC. Identifiers: Orphanet 154, MedGen C2677338, MONDO:0012808, OMIM 612158.
Primary familial hypertrophic cardiomyopathy (HCM). Identifiers: Orphanet 99739, MedGen C0949658, MeSH D024741, MONDO:0024573. Inheritance: Various modes of inheritance.

Submission:

Labcorp Genetics (formerly Invitae), Labcorp
Classification: Uncertain significance for Primary familial hypertrophic cardiomyopathy; Dilated cardiomyopathy 1AA. Last evaluated: 2019-02-08. Review status: criteria provided, single submitter. Criteria: Invitae Variant Classification Sherloc (09022015). Collection method: clinical testing. Allele origin: germline.
Comment: This variant is an out-of-frame deletion of the genomic region encompassing exons 8-10 of the ACTN2 gene. This is expected to create a premature translational stop signal and result in an absent or disrupted protein product. This variant has not been reported in the literature in individuals with ACTN2-related conditions. The current clinical and genetic evidence is not sufficient to establish whether loss-of-function variants in ACTN2 cause disease. In summary, the available evidence is currently insufficient to determine the role of this variant in disease. Therefore, it has been classified as a Variant of Uncertain Significance.

NM_001103.4(ACTN2):c.698-10_1107+10del

Gene: ACTN2 (actinin alpha 2; plus strand). Cytogenetic location: 1q43.
Variant type: Deletion.
Coding change: c.698-10_1107+10del on transcript NM_001103.4 (MANE Select); 10 bases into the intron before coding-DNA position 698 through 10 bases into the intron after coding-DNA position 1107, 3,918 bases deleted.
Molecular consequence: splice acceptor variant, splice donor variant. On other transcripts: initiator codon variant (1).
Genome position (GRCh38, 1-based): chr1:236,735,625-236,739,542, 3,918 bases deleted. GRCh37 (hg19): chr1:236,898,925-236,902,842.
Other names: c.-38-10_483+10del (NM_001278344.2); c.783+1107_1107+10del (NM_001278343.2).
Identifiers: ClinVar variation 860800 (VCV000860800.2), ClinGen allele CA916082156.